The following is an entry in ClinVar:

ClinVar aggregate classification (germline): Likely benign. Review status: criteria provided, multiple submitters, no conflicts (2 of 4 stars). 2 submissions from 2 submitters: Likely benign (2). Last evaluated 2026-04-01.

Conditions:
Kleefstra syndrome 1 (KLEFS1). Identifiers: Orphanet 261494, MedGen C0795833, MONDO:0027407, OMIM 610253.

Allele frequency attached by ClinVar (database versions not stated): TOPMed 0.00001; ESP Exome Variant Server 0.00008.
gnomAD v4.1: 22 of 1,613,822 alleles (0.0014%); highest among the groups gnomAD compares: South Asian, 0.0044%; 1 homozygote.

Submissions (2):

Women's Health and Genetics/Laboratory Corporation of America, LabCorp
Classification: Likely benign. Last evaluated: 2026-04-01. Review status: criteria provided, single submitter. Criteria: LabCorp Variant Classification Summary - May 2015. Collection method: clinical testing. Allele origin: germline.
Comment: Variant summary: EHMT1 c.1870G>A (p.Ala624Thr) results in a non-conservative amino acid change in the encoded protein sequence. Algorithms developed to predict the effect of missense changes on protein structure and function are either unavailable or do not agree on the potential impact of this missense change. The variant allele was found at a frequency of 1.4e-05 in 1613822 control chromosomes, including one homozygote. To our knowledge, no occurrence of c.1870G>A in individuals affected with EHMT1-related conditions and no experimental evidence demonstrating its impact on protein function have been reported. ClinVar contains an entry for this variant (Variation ID: 2914185). Based on the evidence outlined above, the variant was classified as likely benign.

Labcorp Genetics (formerly Invitae), Labcorp
Classification: Likely benign for Kleefstra syndrome 1. Last evaluated: 2025-10-01. Review status: criteria provided, single submitter. Criteria: Invitae Variant Classification Sherloc (09022015). Collection method: clinical testing. Allele origin: germline.

NM_024757.5(EHMT1):c.1870G>A (p.Ala624Thr)

Gene: EHMT1 (euchromatic histone lysine methyltransferase 1; plus strand). Cytogenetic location: 9q34.3.
Variant type: single nucleotide variant.
Coding change: c.1870G>A on transcript NM_024757.5 (MANE Select); coding-DNA position 1870, G replaced by A.
Protein change: p.Ala624Thr; replaces alanine 624 with threonine.
Molecular consequence: missense variant.
Genome position (GRCh38, 1-based): chr9:137,776,696, G>A. VCF-style: chr9-137776696-G-A. GRCh37 (hg19) VCF-style: chr9-140671148-G-A.
Other names: c.1870G>A, p.Ala624Thr (NM_001145527.2); c.1777G>A, p.Ala593Thr (NM_001354259.2); c.1849G>A, p.Ala617Thr (NM_001354263.2); short protein forms A617T, A593T, A624T.
Identifiers: ClinVar variation 2914185 (VCV002914185.4), dbSNP rs146905719, ClinGen allele CA5374752.
Genomic context (GRCh38, chr9:137,776,696, plus strand): 5'-CAGCCCGAGAGCAGCATCTCTCACCGTTTCCACAAAGACTGTGCCTCTCGAGTCAATAAC[G>A]CCAGCTATTGTCCCCACTGTGGGGAGGAGAGCTCCAAGGCCAAAGAGGTGACGATAGCTA-3'
Protein context (NP_079033.4, residues 614-634): HKDCASRVNN[Ala624Thr]SYCPHCGEES